The following is an entry in ClinVar:

NM_020693.4(DSCAML1):c.5956C>T (p.Pro1986Ser)

Gene: DSCAML1 (DS cell adhesion molecule like 1; minus strand). Cytogenetic location: 11q23.3.
Variant type: single nucleotide variant.
Coding change: c.5956C>T on transcript NM_020693.4 (MANE Select); coding-DNA position 5956, C replaced by T.
Protein change: p.Pro1986Ser; replaces proline 1986 with serine.
Molecular consequence: missense variant.
Genome position (GRCh38, 1-based): chr11:117,428,534, G>A on the plus strand (C>T on the coding strand, the complement: DSCAML1 is on the minus strand). VCF-style: chr11-117428534-G-A. GRCh37 (hg19) VCF-style: chr11-117299250-G-A.
Other names: c.6136C>T (NM_020693.2); short protein forms P1986S.
Identifiers: ClinVar variation 1387847 (VCV001387847.7), dbSNP rs1381143446, ClinGen allele CA382751085.

ClinVar aggregate classification (germline): Uncertain significance. Review status: criteria provided, multiple submitters, no conflicts (2 of 4 stars). 2 submissions from 2 submitters: Uncertain significance (2). Last evaluated 2025-07-31.

Allele frequency attached by ClinVar (database versions not stated): gnomAD exomes 0.00002 and 0.00006; TOPMed 0.00005; gnomAD 0.00007.
gnomAD v4.1: 40 of 1,511,576 alleles (0.0026%); highest among the groups gnomAD compares: Admixed American, 0.072%; no homozygotes.

Submissions (2):

Ambry Genetics
Classification: Uncertain significance. Last evaluated: 2025-07-31. Review status: criteria provided, single submitter. Criteria: Ambry Variant Classification Scheme 2023. Collection method: clinical testing. Allele origin: germline.

Labcorp Genetics (formerly Invitae), Labcorp
Classification: Uncertain significance. Last evaluated: 2025-07-17. Review status: criteria provided, single submitter. Criteria: Invitae Variant Classification Sherloc (09022015). Collection method: clinical testing. Allele origin: germline.
Comment: This sequence change replaces proline, which is neutral and non-polar, with serine, which is neutral and polar, at codon 2046 of the DSCAML1 protein (p.Pro2046Ser). The frequency data for this variant in the population databases is considered unreliable, as metrics indicate poor data quality at this position in the gnomAD database. This variant has not been reported in the literature in individuals affected with DSCAML1-related conditions. ClinVar contains an entry for this variant (Variation ID: 1387847). An algorithm developed to predict the effect of missense changes on protein structure and function (PolyPhen-2) suggests that this variant is likely to be tolerated. In summary, the available evidence is currently insufficient to determine the role of this variant in disease. Therefore, it has been classified as a Variant of Uncertain Significance.